The following is an entry in ClinVar:

ClinVar aggregate classification (germline): Uncertain significance (1 of 4 stars; one submission).

Allele frequency attached by ClinVar (database versions not stated): TOPMed 0.00006; ESP Exome Variant Server 0.00016.
gnomAD v4.1: 36 of 1,611,010 alleles (0.0022%); highest among the groups gnomAD compares: Admixed American, 0.0033%; no homozygotes.

Submission:

Labcorp Genetics (formerly Invitae), Labcorp
Classification: Uncertain significance. Last evaluated: 2022-10-13. Review status: criteria provided, single submitter. Criteria: Invitae Variant Classification Sherloc (09022015). Collection method: clinical testing. Allele origin: germline.
Comment: This sequence change replaces alanine, which is neutral and non-polar, with threonine, which is neutral and polar, at codon 1278 of the MPDZ protein (p.Ala1278Thr). This variant is present in population databases (rs370525854, gnomAD 0.003%). This variant has not been reported in the literature in individuals affected with MPDZ-related conditions. ClinVar contains an entry for this variant (Variation ID: 1383016). Algorithms developed to predict the effect of missense changes on protein structure and function output the following: SIFT: "Tolerated"; PolyPhen-2: "Benign"; Align-GVGD: "Class C0". The threonine amino acid residue is found in multiple mammalian species, which suggests that this missense change does not adversely affect protein function. In summary, the available evidence is currently insufficient to determine the role of this variant in disease. Therefore, it has been classified as a Variant of Uncertain Significance.

NM_001378778.1(MPDZ):c.3832G>A (p.Ala1278Thr)

Gene: MPDZ (multiple PDZ domain crumbs cell polarity complex component; minus strand). Cytogenetic location: 9p23.
Variant type: single nucleotide variant.
Coding change: c.3832G>A on transcript NM_001378778.1 (MANE Select); coding-DNA position 3832, G replaced by A.
Protein change: p.Ala1278Thr; replaces alanine 1278 with threonine.
Molecular consequence: missense variant. On other transcripts: intron variant (14).
Genome position (GRCh38, 1-based): chr9:13,143,474, C>T on the plus strand (G>A on the coding strand, the complement: MPDZ is on the minus strand). VCF-style: chr9-13143474-C-T. GRCh37 (hg19) VCF-style: chr9-13143473-C-T.
Other names: c.3832G>A, p.Ala1278Thr (NM_001330637.2, NM_001375413.1, NM_003829.5); c.3631-3325G>A (NM_001375425.1, NM_001375420.1, NM_001375423.1 and 4 more transcripts); c.3742-3325G>A (NM_001375419.1, NM_001375416.1, NM_001375418.1 and 3 more transcripts); c.3433-3325G>A (NM_001375427.1); short protein forms A1278T.
Identifiers: ClinVar variation 1383016 (VCV001383016.3), dbSNP rs370525854, ClinGen allele CA4986958.